The following is an entry in ClinVar:

ClinVar aggregate classification (germline): Pathogenic (1 of 4 stars; one submission).

Submission:

Labcorp Genetics (formerly Invitae), Labcorp
Classification: Pathogenic. Last evaluated: 2021-08-17. Review status: criteria provided, single submitter. Criteria: Invitae Variant Classification Sherloc (09022015). Collection method: clinical testing. Allele origin: germline.
Comment: A gross deletion of the genomic region encompassing the full coding sequence of the F11 gene has been identified. The boundaries of this event are unknown as the deletion extends beyond the assayed region for this gene and therefore may encompass additional genes. This variant has not been reported in the literature in individuals with F11-related conditions. Loss-of-function variants in F11 are known to be pathogenic (PMID: 23929304). For these reasons, this variant has been classified as Pathogenic.

Literature cited by the submitters: PubMed 23929304.

NC_000004.12:g.(?_186265841)_(186288624_?)del

Gene: F11 (coagulation factor XI; plus strand). Cytogenetic location: 4q35.2.
Variant type: Deletion.
Identifiers: ClinVar variation 833376 (VCV000833376.2).